The following is an entry in ClinVar:

NM_002449.5(MSX2):c.520G>C (p.Glu174Gln)

Gene: MSX2 (msh homeobox 2; plus strand). Cytogenetic location: 5q35.2.
Variant type: single nucleotide variant.
Coding change: c.520G>C on transcript NM_002449.5 (MANE Select); coding-DNA position 520, G replaced by C.
Protein change: p.Glu174Gln; replaces glutamic acid 174 with glutamine.
Molecular consequence: missense variant. On other transcripts: 3 prime UTR variant (1).
Genome position (GRCh38, 1-based): chr5:174,729,299, G>C. VCF-style: chr5-174729299-G-C. GRCh37 (hg19) VCF-style: chr5-174156302-G-C.
Other names: c.*144G>C (NM_001363626.2); short protein forms E174Q.
Identifiers: ClinVar variation 2579819 (VCV002579819.1), dbSNP rs757042034, ClinGen allele CA362230046.

ClinVar aggregate classification (germline): Uncertain significance (1 of 4 stars; one submission).

Submission:

GeneDx
Classification: Uncertain significance. Last evaluated: 2023-03-14. Review status: criteria provided, single submitter. Criteria: GeneDx Variant Classification Process June 2021. Collection method: clinical testing. Allele origin: germline. Affected: yes.
Comment: Not observed at significant frequency in large population cohorts (gnomAD); In silico analysis supports that this missense variant has a deleterious effect on protein structure/function; Has not been previously published as pathogenic or benign to our knowledge